The following is an entry in ClinVar:

NM_001172509.2(SATB2):c.1166G>T (p.Arg389Leu)

Gene: SATB2 (SATB homeobox 2; minus strand). Cytogenetic location: 2q33.1.
Variant type: single nucleotide variant.
Coding change: c.1166G>T on transcript NM_001172509.2 (MANE Select); coding-DNA position 1166, G replaced by T.
Protein change: p.Arg389Leu; replaces arginine 389 with leucine.
Molecular consequence: missense variant.
Genome position (GRCh38, 1-based): chr2:199,348,708, C>A on the plus strand (G>T on the coding strand, the complement: SATB2 is on the minus strand). VCF-style: chr2-199348708-C-A. GRCh37 (hg19) VCF-style: chr2-200213431-C-A.
Other names: c.1166G>T, p.Arg389Leu (NM_001172517.1, NM_015265.4); c.1166G>T (NM_015265.3); short protein forms R389L.
Identifiers: ClinVar variation 1526096 (VCV001526096.5), dbSNP rs1247886882, ClinGen allele CA350387025.

ClinVar aggregate classification (germline): Pathogenic. Review status: criteria provided, multiple submitters, no conflicts (2 of 4 stars). 4 submissions from 4 submitters: Pathogenic (4). Last evaluated 2025-08-08.

Conditions:
Chromosome 2q32-q33 deletion syndrome (GLASS). Also called: Glass syndrome; 2q33.1 deletion syndrome. Identifiers: Orphanet 251019, MedGen C2676739, MONDO:0012864, OMIM 612313.

Submissions (4):

GeneDx
Classification: Pathogenic. Last evaluated: 2025-08-08. Review status: criteria provided, single submitter. Criteria: GeneDx Variant Classification Process June 2021. Collection method: clinical testing. Allele origin: germline. Affected: yes.
Comment: Not observed at significant frequency in large population cohorts (gnomAD); In silico analysis supports that this missense variant has a deleterious effect on protein structure/function; This variant is associated with the following publications: (PMID: 28151491, 25533962, 28135719, 28191890, 31021519, 31785789, 33057194, 37010288, 35982159)

Labcorp Genetics (formerly Invitae), Labcorp
Classification: Pathogenic for Chromosome 2q32-q33 deletion syndrome. Last evaluated: 2023-07-09. Review status: criteria provided, single submitter. Criteria: Invitae Variant Classification Sherloc (09022015). Collection method: clinical testing. Allele origin: germline.
Comment: This variant disrupts the p.Arg389 amino acid residue in SATB2. Other variant(s) that disrupt this residue have been determined to be pathogenic (PMID: 24884844, 28151491; Invitae). This suggests that this residue is clinically significant, and that variants that disrupt this residue are likely to be disease-causing. For these reasons, this variant has been classified as Pathogenic. Experimental studies have shown that this missense change affects SATB2 function (PMID: 28151491). Advanced modeling of protein sequence and biophysical properties (such as structural, functional, and spatial information, amino acid conservation, physicochemical variation, residue mobility, and thermodynamic stability) has been performed at Invitae for this missense variant, however the output from this modeling did not meet the statistical confidence thresholds required to predict the impact of this variant on SATB2 protein function. ClinVar contains an entry for this variant (Variation ID: 1526096). This missense change has been observed in individual(s) with SATB2-related conditions (PMID: 28151491). In at least one individual the variant was observed to be de novo. This variant is not present in population databases (gnomAD no frequency). This sequence change replaces arginine, which is basic and polar, with leucine, which is neutral and non-polar, at codon 389 of the SATB2 protein (p.Arg389Leu).

3billion
Classification: Pathogenic for Chromosome 2q32-q33 deletion syndrome. Last evaluated: 2022-03-22. Review status: criteria provided, single submitter. Criteria: ACMG Guidelines, 2015. Collection method: clinical testing. Allele origin: germline. Affected: yes. Observed: 1 heterozygote.
Comment: The variant has been previously reported as de novo in a similarly affected individual (PMID: 25533962). A different missense change at the same codon has been reported as pathogenic/likely pathogenic with strong evidence (ClinVar ID: VCV000381575, PMID:31302918,24884844). In silico tool predictions suggest damaging effect of the variant on gene or gene product (REVEL: 0.652>=0.6, 3CNET: 0.987>=0.75). It is not observed in the gnomAD v2.1.1 dataset. Therefore, this variant is classified as pathogenic according to the recommendation of ACMG/AMP guideline.

Imagene.me medical diagnostic laboratory, IMAGENE.ME SA
Classification: Pathogenic for Chromosome 2q32-q33 deletion syndrome. Review status: criteria provided, single submitter. Criteria: IMAGENE.ME Variant Classification SOP 2022. Collection method: clinical testing. Allele origin: de novo. Affected: yes.
Comment: Classified according to the IMAGENE.ME variant classification SOP based on the ACMG guidelines as Pathogenic (P): PS4_Moderate + PM1 + PM5 + PM2_Supporting + PP2 + PP3 + PP4 + PS2_Supporting

Literature cited by the submitters: PubMed 24884844 (cited by Labcorp Genetics (formerly Invitae), Labcorp and 3billion); PubMed 28151491 (cited by Labcorp Genetics (formerly Invitae), Labcorp and 3billion); PubMed 25533962 (cited by 3billion); PubMed 31302918 (cited by 3billion).